The following is an entry in ClinVar:

ClinVar aggregate classification (germline): Benign/Likely benign. Review status: criteria provided, multiple submitters, no conflicts (2 of 4 stars). 13 submissions from 12 submitters: Benign (9); Likely benign (1). 3 of the submissions do not count toward it. Last evaluated 2026-02-04.

Conditions:
Inborn genetic diseases. Identifiers: MedGen C0950123, MeSH D030342.
Intellectual developmental disorder, autosomal dominant 6, with or without seizures. Also called: Intellectual disability, autosomal dominant 6; GRIN2B-related developmental delay, intellectual disability and autism spectrum disorder. Identifiers: Orphanet 589547, MedGen C3151411, MONDO:0013509, OMIM 613970.
Developmental and epileptic encephalopathy, 27 (DEE27). Also called: Epileptic encephalopathy, early infantile, 27; GRIN2B-Related Neurodevelopmental Disorder. Identifiers: Orphanet 3451, MedGen C4015316, MONDO:0014505, OMIM 616139.

Allele frequency attached by ClinVar (database versions not stated): 1000 Genomes Project 0.24760; 1000 Genomes Project 30x 0.25468; TOPMed 0.38009; gnomAD 0.38304 and 0.39095; ESP Exome Variant Server 0.40151.
gnomAD v4.1: 744,111 of 1,613,184 alleles (46%); highest among the groups gnomAD compares: Non-Finnish European, 52%; 184,050 homozygotes.

Submissions (13):

Labcorp Genetics (formerly Invitae), Labcorp
Classification: Benign for Developmental and epileptic encephalopathy, 27; Intellectual developmental disorder, autosomal dominant 6, with or without seizures. Last evaluated: 2026-02-04. Review status: criteria provided, single submitter. Criteria: Invitae Variant Classification Sherloc (09022015). Collection method: clinical testing. Allele origin: germline.

Blueprint Genetics
Classification: Likely benign. Last evaluated: 2024-11-27. Review status: criteria provided, single submitter. Criteria: ACMG Guidelines, 2015. Collection method: clinical testing. Allele origin: germline.

Unidad de Genómica Garrahan, Hospital de Pediatría Garrahan
Classification: Benign. Last evaluated: 2024-07-15. Review status: criteria provided, single submitter. Criteria: ACMG Guidelines, 2015. Collection method: clinical testing. Allele origin: germline. Affected: no. Observed: 73 variant alleles.
Comment: This variant is classified as Benign based on local population frequency. This variant was detected in 78% of patients studied in a panel designed for Epileptic and Developmental Encephalopathy and Progressive Myoclonus Epilepsy. Number of patients: 73. Only high quality variants are reported.

Genome-Nilou Lab
Classification: Benign for Developmental and epileptic encephalopathy, 27. Last evaluated: 2021-08-10. Review status: criteria provided, single submitter. Criteria: ACMG Guidelines, 2015. Collection method: clinical testing. Allele origin: germline. Affected: no.

Genome-Nilou Lab
Classification: Benign for Intellectual developmental disorder, autosomal dominant 6, with or without seizures. Last evaluated: 2021-08-10. Review status: criteria provided, single submitter. Criteria: ACMG Guidelines, 2015. Collection method: clinical testing. Allele origin: germline. Affected: no.

Mayo Clinic Laboratories, Mayo Clinic
Classification: Benign. Last evaluated: 2018-04-02. Review status: criteria provided, single submitter. Criteria: ACMG Guidelines, 2015. Collection method: clinical testing. Allele origin: germline. Observed: 374 variant alleles.

Athena Diagnostics
Classification: Benign. Last evaluated: 2017-04-20. Review status: criteria provided, single submitter. Criteria: Athena Diagnostics Criteria. Collection method: clinical testing. Allele origin: germline.

Ambry Genetics
Classification: Benign for Inborn genetic diseases. Last evaluated: 2016-02-09. Review status: criteria provided, single submitter. Criteria: Ambry Variant Classification Scheme 2023. Collection method: clinical testing. Allele origin: germline.

GeneDx
Classification: Benign. Last evaluated: 2015-03-03. Review status: criteria provided, single submitter. Criteria: GeneDx Variant Classification Process June 2021. Collection method: clinical testing. Allele origin: germline. Affected: yes.

Breakthrough Genomics
Classification: Benign. Review status: criteria provided, single submitter. Criteria: ACMG Guidelines, 2015. Collection method: not provided. Allele origin: germline. Inheritance: Autosomal dominant inheritance. Affected: yes.

Diagnostic Laboratory, Department of Genetics, University Medical Center Groningen
Classification: Benign. Review status: no assertion criteria provided. Collection method: clinical testing. Allele origin: germline. Affected: yes. Study: VKGL Data-share Consensus. Not counted in ClinVar's aggregate classification.

Genetic Services Laboratory, University of Chicago
Classification: Likely benign for AllHighlyPenetrant. Review status: no assertion criteria provided. Collection method: clinical testing. Allele origin: germline. Inheritance: Autosomal dominant inheritance. Not counted in ClinVar's aggregate classification.
Comment: Likely benign based on allele frequency in 1000 Genomes Project or ESP global frequency and its presence in a patient with a rare or unrelated disease phenotype. NOT Sanger confirmed.

Joint Genome Diagnostic Labs from Nijmegen and Maastricht, Radboudumc and MUMC+
Classification: Benign. Review status: no assertion criteria provided. Collection method: clinical testing. Allele origin: germline. Affected: yes. Study: VKGL Data-share Consensus. Not counted in ClinVar's aggregate classification.

NM_000834.5(GRIN2B):c.3534C>T (p.His1178=)

Gene: GRIN2B (glutamate ionotropic receptor NMDA type subunit 2B; minus strand). Cytogenetic location: 12p13.1.
Variant type: single nucleotide variant.
Coding change: c.3534C>T on transcript NM_000834.5 (MANE Select); coding-DNA position 3534, C replaced by T.
Protein change: p.His1178=; no amino-acid change (histidine 1178 retained).
Molecular consequence: synonymous variant.
Genome position (GRCh38, 1-based): chr12:13,563,704, G>A on the plus strand (C>T on the coding strand, the complement: GRIN2B is on the minus strand). VCF-style: chr12-13563704-G-A. GRCh37 (hg19) VCF-style: chr12-13716638-G-A.
Other names: p.His1178=.
Identifiers: ClinVar variation 129204 (VCV000129204.32), dbSNP rs1806191, ClinGen allele CA153048.
Genomic context (GRCh38, chr12:13,563,704, plus strand): 5'-CTCCCAAGGTGCAGGTACCCCGCTGACCACGCCGTGTTTGTCGCCCGTCCCGTGCTTGAT[G>A]TGAGACCTGTTGGTACAGGGCCCTCCTCCGCTGACGGAGTCGCGCTTAAAGTCATCACTC-3'
Protein context (NP_000825.2, residues 1168-1188): SGGGPCTNRS[His1178=]IKHGTGDKHG